The following is an entry in ClinVar:

ClinVar aggregate classification (germline): Conflicting classifications of pathogenicity. Review status: criteria provided, conflicting classifications (1 of 4 stars). 4 submissions from 4 submitters: Uncertain significance (1); Likely benign (2). 1 of the submissions does not count toward it. Last evaluated 2026-06-01.

Conditions:
TH-deficient dopa-responsive dystonia. Also called: Tyrosine Hydroxylase-Deficient Dopa-Responsive Dystonia; Segawa syndrome, autosomal recessive; DYT-TH. Identifiers: Orphanet 101150, MedGen C2673535, MONDO:0011551, OMIM 605407.

Allele frequency attached by ClinVar (database versions not stated): gnomAD 0.00006; TOPMed 0.00010.
gnomAD v4.1: 33 of 1,611,846 alleles (0.002%); highest among the groups gnomAD compares: East Asian, 0.025%; no homozygotes.

Submissions (4):

CeGaT Center for Human Genetics Tuebingen
Classification: Likely benign. Last evaluated: 2026-06-01. Review status: criteria provided, single submitter. Criteria: CeGaT Center For Human Genetics Tuebingen Variant Classification Criteria Version 2. Collection method: clinical testing. Allele origin: germline. Affected: yes. Observed: 1 variant allele.
Comment: TH: BP4, BP7

Labcorp Genetics (formerly Invitae), Labcorp
Classification: Likely benign for TH-deficient dopa-responsive dystonia. Last evaluated: 2026-01-29. Review status: criteria provided, single submitter. Criteria: Invitae Variant Classification Sherloc (09022015). Collection method: clinical testing. Allele origin: germline.

Illumina Laboratory Services, Illumina
Classification: Uncertain significance for TH-deficient dopa-responsive dystonia. Last evaluated: 2018-01-15. Review status: criteria provided, single submitter. Criteria: ICSL Variant Classification Criteria 13 December 2019. Collection method: clinical testing. Allele origin: germline.

Natera, Inc.
Classification: Likely benign for Autosomal recessive Segawa syndrome. Last evaluated: 2020-10-01. Review status: no assertion criteria provided. Collection method: clinical testing. Allele origin: germline. Not counted in ClinVar's aggregate classification.

NM_000360.4(TH):c.1228C>A (p.Arg410=)

Gene: TH (tyrosine hydroxylase; minus strand). Cytogenetic location: 11p15.5.
Variant type: single nucleotide variant.
Coding change: c.1228C>A on transcript NM_000360.4 (MANE Select); coding-DNA position 1228, C replaced by A.
Protein change: p.Arg410=; no amino-acid change (arginine 410 retained).
Molecular consequence: synonymous variant.
Genome position (GRCh38, 1-based): chr11:2,165,338, G>T on the plus strand (C>A on the coding strand, the complement: TH is on the minus strand). VCF-style: chr11-2165338-G-T. GRCh37 (hg19) VCF-style: chr11-2186568-G-T.
Other names: c.1321C>A, p.Arg441= (NM_199292.3); c.1309C>A, p.Arg437= (NM_199293.3).
Identifiers: ClinVar variation 717309 (VCV000717309.18), dbSNP rs575326605, ClinGen allele CA5818326.